The following is an entry in ClinVar:

NM_002662.5(PLD1):c.2715C>G (p.Asn905Lys)

Gene: PLD1 (phospholipase D1; minus strand). Cytogenetic location: 3q26.31.
Variant type: single nucleotide variant.
Coding change: c.2715C>G on transcript NM_002662.5 (MANE Select); coding-DNA position 2715, C replaced by G.
Protein change: p.Asn905Lys; replaces asparagine 905 with lysine.
Molecular consequence: missense variant.
Genome position (GRCh38, 1-based): chr3:171,620,399, G>C on the plus strand (C>G on the coding strand, the complement: PLD1 is on the minus strand). VCF-style: chr3-171620399-G-C. GRCh37 (hg19) VCF-style: chr3-171338189-G-C.
Other names: c.2715C>G (NM_002662.4); c.2601C>G, p.Asn867Lys (NM_001130081.3); short protein forms N867K, N905K.
Identifiers: ClinVar variation 1910191 (VCV001910191.6), dbSNP rs762649710, ClinGen allele CA2704150.

ClinVar aggregate classification (germline): Uncertain significance. Review status: criteria provided, multiple submitters, no conflicts (2 of 4 stars). 2 submissions from 2 submitters: Uncertain significance (2). Last evaluated 2025-11-24.

Conditions:
Inborn genetic diseases. Identifiers: MedGen C0950123, MeSH D030342.

Allele frequency attached by ClinVar (database versions not stated): gnomAD exomes below 0.00001; gnomAD 0.00001; TOPMed 0.00001; ExAC 0.00003.
gnomAD v4.1: 7 of 1,596,262 alleles (0.00044%); highest among the groups gnomAD compares: Admixed American, 0.012%; no homozygotes.

Submissions (2):

Labcorp Genetics (formerly Invitae), Labcorp
Classification: Uncertain significance. Last evaluated: 2025-11-24. Review status: criteria provided, single submitter. Criteria: Invitae Variant Classification Sherloc (09022015). Collection method: clinical testing. Allele origin: germline.
Comment: This sequence change replaces asparagine, which is neutral and polar, with lysine, which is basic and polar, at codon 905 of the PLD1 protein (p.Asn905Lys). This variant is present in population databases (rs762649710, gnomAD 0.02%). This variant has not been reported in the literature in individuals affected with PLD1-related conditions. ClinVar contains an entry for this variant (Variation ID: 1910191). Invitae Evidence Modeling of protein sequence and biophysical properties (such as structural, functional, and spatial information, amino acid conservation, physicochemical variation, residue mobility, and thermodynamic stability) indicates that this missense variant is not expected to disrupt PLD1 protein function with a negative predictive value of 80%. In summary, the available evidence is currently insufficient to determine the role of this variant in disease. Therefore, it has been classified as a Variant of Uncertain Significance.

Ambry Genetics
Classification: Uncertain significance for Inborn genetic diseases. Last evaluated: 2024-12-05. Review status: criteria provided, single submitter. Criteria: Ambry Variant Classification Scheme 2023. Collection method: clinical testing. Allele origin: germline.